The following is an entry in ClinVar:

ClinVar aggregate classification (germline): Conflicting classifications of pathogenicity. Review status: criteria provided, conflicting classifications (1 of 4 stars). 2 submissions from 2 submitters: Uncertain significance (1); Likely benign (1). Last evaluated 2024-02-12.

Conditions:
Hypertrophic cardiomyopathy. Also called: HYPERTROPHIC MYOCARDIOPATHY. Identifiers: Orphanet 217569, MedGen C0007194, MeSH D002312, MONDO:0005045, HP:0001639.
Cardiovascular phenotype. Identifiers: MedGen CN230736.

Allele frequency attached by ClinVar (database versions not stated): gnomAD exomes below 0.00001.
gnomAD v4.1: 1 of 1,613,524 alleles (0.000062%); highest among the groups gnomAD compares: Non-Finnish European, 0.000085%; no homozygotes.

Submissions (2):

Ambry Genetics
Classification: Likely benign for Cardiovascular phenotype. Last evaluated: 2024-02-12. Review status: criteria provided, single submitter. Criteria: Ambry Variant Classification Scheme 2023. Collection method: clinical testing. Allele origin: germline.

Labcorp Genetics (formerly Invitae), Labcorp
Classification: Uncertain significance for Hypertrophic cardiomyopathy. Last evaluated: 2022-11-04. Review status: criteria provided, single submitter. Criteria: Invitae Variant Classification Sherloc (09022015). Collection method: clinical testing. Allele origin: germline.
Comment: In summary, the available evidence is currently insufficient to determine the role of this variant in disease. Therefore, it has been classified as a Variant of Uncertain Significance. Advanced modeling of protein sequence and biophysical properties (such as structural, functional, and spatial information, amino acid conservation, physicochemical variation, residue mobility, and thermodynamic stability) performed at Invitae indicates that this missense variant is not expected to disrupt MYH7 protein function. This variant has not been reported in the literature in individuals affected with MYH7-related conditions. This variant is not present in population databases (gnomAD no frequency). This sequence change replaces phenylalanine, which is neutral and non-polar, with leucine, which is neutral and non-polar, at codon 1224 of the MYH7 protein (p.Phe1224Leu).

NM_000257.4(MYH7):c.3672C>G (p.Phe1224Leu)

Gene: MYH7 (myosin heavy chain 7; minus strand). Cytogenetic location: 14q11.2.
Variant type: single nucleotide variant.
Coding change: c.3672C>G on transcript NM_000257.4 (MANE Select); coding-DNA position 3672, C replaced by G.
Protein change: p.Phe1224Leu; replaces phenylalanine 1224 with leucine.
Molecular consequence: missense variant.
Genome position (GRCh38, 1-based): chr14:23,419,899, G>C on the plus strand (C>G on the coding strand, the complement: MYH7 is on the minus strand). VCF-style: chr14-23419899-G-C. GRCh37 (hg19) VCF-style: chr14-23889108-G-C.
Other names: c.3672C>G, p.Phe1224Leu (NM_001407004.1); short protein forms F1224L.
Identifiers: ClinVar variation 3013437 (VCV003013437.4), dbSNP rs2502263765, ClinGen allele CA389043085.